The following is an entry in ClinVar:

NM_005235.3(ERBB4):c.242G>A (p.Arg81Gln)

Gene: ERBB4 (erb-b2 receptor tyrosine kinase 4; minus strand). Cytogenetic location: 2q34.
Variant type: single nucleotide variant.
Coding change: c.242G>A on transcript NM_005235.3 (MANE Select); coding-DNA position 242, G replaced by A.
Protein change: p.Arg81Gln; replaces arginine 81 with glutamine.
Molecular consequence: missense variant.
Genome position (GRCh38, 1-based): chr2:211,947,609, C>T on the plus strand (G>A on the coding strand, the complement: ERBB4 is on the minus strand). VCF-style: chr2-211947609-C-T. GRCh37 (hg19) VCF-style: chr2-212812334-C-T.
Other names: c.242G>A, p.Arg81Gln (NM_001042599.2); short protein forms R81Q.
Identifiers: ClinVar variation 2898174 (VCV002898174.3), dbSNP rs772917832, ClinGen allele CA2088479.

ClinVar aggregate classification (germline): Uncertain significance (1 of 4 stars; one submission).

Allele frequency attached by ClinVar (database versions not stated): ExAC 0.00001; gnomAD 0.00001; gnomAD exomes 0.00003; TOPMed 0.00003.
gnomAD v4.1: 45 of 1,613,094 alleles (0.0028%); highest among the groups gnomAD compares: Non-Finnish European, 0.0037%; no homozygotes.

Submission:

Labcorp Genetics (formerly Invitae), Labcorp
Classification: Uncertain significance. Last evaluated: 2023-11-08. Review status: criteria provided, single submitter. Criteria: Invitae Variant Classification Sherloc (09022015). Collection method: clinical testing. Allele origin: germline.
Comment: This sequence change replaces arginine, which is basic and polar, with glutamine, which is neutral and polar, at codon 81 of the ERBB4 protein (p.Arg81Gln). This variant is present in population databases (rs772917832, gnomAD 0.004%). This variant has not been reported in the literature in individuals affected with ERBB4-related conditions. An algorithm developed to predict the effect of missense changes on protein structure and function (PolyPhen-2) suggests that this variant is likely to be tolerated. In summary, the available evidence is currently insufficient to determine the role of this variant in disease. Therefore, it has been classified as a Variant of Uncertain Significance.